The following is an entry in ClinVar:

ClinVar aggregate classification (germline): Uncertain significance. Review status: criteria provided, multiple submitters, no conflicts (2 of 4 stars). 2 submissions from 2 submitters: Uncertain significance (2). Last evaluated 2024-10-28.

Conditions:
Inborn genetic diseases. Identifiers: MedGen C0950123, MeSH D030342.
Early-onset Parkinson disease 20. Also called: PARKINSON DISEASE 20, AUTOSOMAL RECESSIVE EARLY-ONSET. Identifiers: Orphanet 391411, MedGen C3809824, MONDO:0014233, OMIM 615530.
Developmental and epileptic encephalopathy, 53. Also called: Epileptic encephalopathy, early infantile, 53. Identifiers: MedGen C4479313, MONDO:0033362, OMIM 617389.

Allele frequency attached by ClinVar (database versions not stated): gnomAD 0.00001; TOPMed 0.00001.
gnomAD v4.1: 3 of 1,610,254 alleles (0.00019%); highest among the groups gnomAD compares: Non-Finnish European, 0.00025%; no homozygotes.

Submissions (2):

Ambry Genetics
Classification: Uncertain significance for Inborn genetic diseases. Last evaluated: 2024-10-28. Review status: criteria provided, single submitter. Criteria: Ambry Variant Classification Scheme 2023. Collection method: clinical testing. Allele origin: germline.

Labcorp Genetics (formerly Invitae), Labcorp
Classification: Uncertain significance for Developmental and epileptic encephalopathy, 53; Early-onset Parkinson disease 20. Last evaluated: 2019-05-19. Review status: criteria provided, single submitter. Criteria: Invitae Variant Classification Sherloc (09022015). Collection method: clinical testing. Allele origin: germline.
Comment: This sequence change replaces arginine with lysine at codon 1612 of the SYNJ1 protein (p.Arg1612Lys). The arginine residue is highly conserved and there is a small physicochemical difference between arginine and lysine. In summary, the available evidence is currently insufficient to determine the role of this variant in disease. Therefore, it has been classified as a Variant of Uncertain Significance. Algorithms developed to predict the effect of missense changes on protein structure and function are either unavailable or do not agree on the potential impact of this missense change (SIFT: "Deleterious"; PolyPhen-2: "Probably Damaging"; Align-GVGD: "Class C0"). This variant has not been reported in the literature in individuals with SYNJ1-related conditions. This variant is present in population databases (rs772562248, ExAC 0.002%).

NM_203446.3(SYNJ1):c.*806G>A

Gene: SYNJ1 (synaptojanin 1; minus strand). Cytogenetic location: 21q22.11.
Variant type: single nucleotide variant.
Coding change: c.*806G>A on transcript NM_203446.3 (MANE Select); 806 bases downstream of the stop codon, G replaced by A.
Molecular consequence: 3 prime UTR variant. On other transcripts: missense variant (2).
Genome position (GRCh38, 1-based): chr21:32,630,999, C>T on the plus strand (G>A on the coding strand, the complement: SYNJ1 is on the minus strand). VCF-style: chr21-32630999-C-T. GRCh37 (hg19) VCF-style: chr21-34003309-C-T.
Other names: c.*806G>A (NM_001160302.2); c.4577G>A, p.Arg1526Lys (NM_001160306.2); c.4835G>A, p.Arg1612Lys (NM_003895.4); short protein forms R1526K, R1612K.
Identifiers: ClinVar variation 952732 (VCV000952732.11), dbSNP rs772562248, ClinGen allele CA10003033.
Genomic context (GRCh38, chr21:32,630,999, plus strand): 5'-TTCTCTTAGCTCTATCCTGCCAAAAGCAAGTACCCACTGTTTTCTATTGCATGGCGTTAT[C>T]TTTCTGTAAAGTCCAGTGTGGGTGAAGCCTTAGAGGCCAAGGTCGTGAAAGGATCTACTG-3'